The following is an entry in ClinVar:

NM_052988.5(CDK10):c.792G>A (p.Pro264=)

Gene: CDK10 (cyclin dependent kinase 10; plus strand). Cytogenetic location: 16q24.3.
Variant type: single nucleotide variant.
Coding change: c.792G>A on transcript NM_052988.5 (MANE Select); coding-DNA position 792, G replaced by A.
Protein change: p.Pro264=; no amino-acid change (proline 264 retained).
Molecular consequence: synonymous variant. On other transcripts: non-coding transcript variant (2).
Genome position (GRCh38, 1-based): chr16:89,694,788, G>A. VCF-style: chr16-89694788-G-A. GRCh37 (hg19) VCF-style: chr16-89761196-G-A.
Other names: c.579G>A, p.Pro193= (NM_001098533.3, NM_001160367.2, NM_052987.4).
Identifiers: ClinVar variation 2580183 (VCV002580183.3), dbSNP rs1303728412, ClinGen allele CA497377720.

ClinVar aggregate classification (germline): Conflicting classifications of pathogenicity. Review status: criteria provided, conflicting classifications (1 of 4 stars). 2 submissions from 2 submitters: Pathogenic (1); Uncertain significance (1). Last evaluated 2025-03-02.

Conditions:
Al Kaissi syndrome. Also called: GROWTH RETARDATION, SPINE MALFORMATION, DYSMORPHIC FACIES, AND DEVELOPMENTAL DELAY. Identifiers: MedGen C4540156, MONDO:0044324, OMIM 617694.

Allele frequency attached by ClinVar (database versions not stated): gnomAD 0.00002; TOPMed 0.00002.

Submissions (2):

Dasa
Classification: Uncertain significance. Last evaluated: 2025-03-02. Review status: criteria provided, single submitter. Criteria: DASA Assertion Criteria. Collection method: clinical testing. Allele origin: germline.
Comment: NM_052988.5(CDK10):c.792G>A (p.Pro264=) is a synonymous variant predicted not to alter the encoded amino acid sequence. This variant has been observed in affected individuals with CDK10-related disorders. Also, this variant is rare in population databases. The currently available literature and clinical evidence are not sufficient to establish a definitive association between this variant and the reported condition. Therefore, this variant is classified as a variant of uncertain significance.

Laboratory of Medical Genetics (UMR_S 1112), INSERM/Strasbourg University
Classification: Pathogenic for Al Kaissi syndrome. Review status: criteria provided, single submitter. Criteria: ACMG Guidelines, 2015. Collection method: clinical testing. Allele origin: unknown. Affected: yes. Observed: 1 variant allele, 1 homozygote.